The following is an entry in ClinVar:

ClinVar aggregate classification (germline): Uncertain significance. Review status: criteria provided, multiple submitters, no conflicts (2 of 4 stars). 2 submissions from 2 submitters: Uncertain significance (2). Last evaluated 2024-11-21.

Conditions:
Inborn genetic diseases. Identifiers: MedGen C0950123, MeSH D030342.

Allele frequency attached by ClinVar (database versions not stated): TOPMed 0.00007; gnomAD 0.00017.
gnomAD v4.1: 40 of 1,574,284 alleles (0.0025%); highest among the groups gnomAD compares: Admixed American, 0.059%; no homozygotes.

Submissions (2):

Ambry Genetics
Classification: Uncertain significance for Inborn genetic diseases. Last evaluated: 2024-11-21. Review status: criteria provided, single submitter. Criteria: Ambry Variant Classification Scheme 2023. Collection method: clinical testing. Allele origin: germline.

Labcorp Genetics (formerly Invitae), Labcorp
Classification: Uncertain significance. Last evaluated: 2024-08-22. Review status: criteria provided, single submitter. Criteria: Invitae Variant Classification Sherloc (09022015). Collection method: clinical testing. Allele origin: germline.
Comment: This sequence change replaces alanine, which is neutral and non-polar, with threonine, which is neutral and polar, at codon 3061 of the DCHS1 protein (p.Ala3061Thr). This variant is present in population databases (rs749076208, gnomAD 0.04%). This variant has not been reported in the literature in individuals affected with DCHS1-related conditions. Invitae Evidence Modeling of protein sequence and biophysical properties (such as structural, functional, and spatial information, amino acid conservation, physicochemical variation, residue mobility, and thermodynamic stability) indicates that this missense variant is not expected to disrupt DCHS1 protein function with a negative predictive value of 80%. In summary, the available evidence is currently insufficient to determine the role of this variant in disease. Therefore, it has been classified as a Variant of Uncertain Significance.

NM_003737.4(DCHS1):c.9181G>A (p.Ala3061Thr)

Genes: DCHS1 (dachsous cadherin-related 1; minus strand), LOC130005209 (ATAC-STARR-seq lymphoblastoid active region 4351; plus strand). Cytogenetic location: 11p15.4.
Variant type: single nucleotide variant.
Coding change: c.9181G>A on transcript NM_003737.4 (MANE Select); coding-DNA position 9181, G replaced by A.
Protein change: p.Ala3061Thr; replaces alanine 3061 with threonine.
Molecular consequence: missense variant.
Genome position (GRCh38, 1-based): chr11:6,622,495, C>T on the plus strand (G>A on the coding strand, the complement: DCHS1 is on the minus strand). VCF-style: chr11-6622495-C-T. GRCh37 (hg19) VCF-style: chr11-6643726-C-T.
Other names: c.9181G>A (NM_003737.2); short protein forms A3061T.
Identifiers: ClinVar variation 3022590 (VCV003022590.4), dbSNP rs749076208, ClinGen allele CA5859300.